The following is an entry in ClinVar:

ClinVar aggregate classification (germline): Likely benign. Review status: criteria provided, multiple submitters, no conflicts (2 of 4 stars). 2 submissions from 2 submitters: Likely benign (2). Last evaluated 2025-10-06.

Conditions:
APP-related disorder. Also called: APP-related condition.

Allele frequency attached by ClinVar (database versions not stated): gnomAD exomes 0.00002; ExAC 0.00003; gnomAD 0.00003 and 0.00004; TOPMed 0.00009; ESP Exome Variant Server 0.00015.
gnomAD v4.1: 10 of 1,613,818 alleles (0.00062%); highest among the groups gnomAD compares: African/African-American, 0.013%; no homozygotes.

Submissions (2):

PreventionGenetics, part of Exact Sciences
Classification: Likely benign for APP-related condition. Last evaluated: 2025-10-06. Review status: criteria provided, single submitter. Criteria: ACMG Guidelines, 2015. Collection method: clinical testing. Allele origin: germline.
Comment: This variant is classified as likely benign based on ACMG/AMP sequence variant interpretation guidelines (Richards et al. 2015 PMID: 25741868, with internal and published modifications).

Labcorp Genetics (formerly Invitae), Labcorp
Classification: Likely benign. Last evaluated: 2018-04-24. Review status: criteria provided, single submitter. Criteria: Invitae Variant Classification Sherloc (09022015). Collection method: clinical testing. Allele origin: germline.

NM_000484.4(APP):c.1998C>T (p.Ile666=)

Gene: APP (amyloid beta precursor protein; minus strand). Cytogenetic location: 21q21.3.
Variant type: single nucleotide variant.
Coding change: c.1998C>T on transcript NM_000484.4 (MANE Select); coding-DNA position 1998, C replaced by T.
Protein change: p.Ile666=; no amino-acid change (isoleucine 666 retained).
Molecular consequence: synonymous variant.
Genome position (GRCh38, 1-based): chr21:25,897,639, G>A on the plus strand (C>T on the coding strand, the complement: APP is on the minus strand). VCF-style: chr21-25897639-G-A. GRCh37 (hg19) VCF-style: chr21-27269951-G-A.
Other names: c.1926C>T, p.Ile642= (NM_001136016.3); c.1605C>T, p.Ile535= (NM_001136129.3); c.1830C>T, p.Ile610= (NM_001136130.3, NM_001385253.1); c.1668C>T, p.Ile556= (NM_001136131.3); c.1944C>T, p.Ile648= (NM_001204301.2); c.1887C>T, p.Ile629= (NM_001204302.2); c.1719C>T, p.Ile573= (NM_001204303.2); c.1941C>T, p.Ile647= (NM_201413.3); and 1 more.
Identifiers: ClinVar variation 723763 (VCV000723763.4), dbSNP rs147868600, ClinGen allele CA9987098.